The following is an entry in ClinVar:

ClinVar aggregate classification (germline): Uncertain significance. Review status: criteria provided, multiple submitters, no conflicts (2 of 4 stars). 2 submissions from 2 submitters: Uncertain significance (2). Last evaluated 2025-05-11.

Allele frequency attached by ClinVar (database versions not stated): gnomAD exomes below 0.00001; ExAC 0.00001; gnomAD 0.00001; TOPMed 0.00002.
gnomAD v4.1: 5 of 1,613,866 alleles (0.00031%); highest among the groups gnomAD compares: Non-Finnish European, 0.00034%; no homozygotes.

Submissions (2):

Labcorp Genetics (formerly Invitae), Labcorp
Classification: Uncertain significance. Last evaluated: 2025-05-11. Review status: criteria provided, single submitter. Criteria: Invitae Variant Classification Sherloc (09022015). Collection method: clinical testing. Allele origin: germline.
Comment: This sequence change replaces arginine, which is basic and polar, with histidine, which is basic and polar, at codon 1695 of the CHD4 protein (p.Arg1695His). This variant is present in population databases (rs756887409, gnomAD 0.003%). This variant has not been reported in the literature in individuals affected with CHD4-related conditions. ClinVar contains an entry for this variant (Variation ID: 2642624). Invitae Evidence Modeling of protein sequence and biophysical properties (such as structural, functional, and spatial information, amino acid conservation, physicochemical variation, residue mobility, and thermodynamic stability) indicates that this missense variant is not expected to disrupt CHD4 protein function with a negative predictive value of 80%. In summary, the available evidence is currently insufficient to determine the role of this variant in disease. Therefore, it has been classified as a Variant of Uncertain Significance.

CeGaT Center for Human Genetics Tuebingen
Classification: Uncertain significance. Last evaluated: 2023-07-01. Review status: criteria provided, single submitter. Criteria: CeGaT Center For Human Genetics Tuebingen Variant Classification Criteria Version 2. Collection method: clinical testing. Allele origin: germline. Affected: yes. Observed: 1 variant allele.
Comment: CHD4: PM2, PM5, PP3

NM_001273.5(CHD4):c.5084G>A (p.Arg1695His)

Genes: CHD4 (chromodomain helicase DNA binding protein 4; minus strand), CHD4-AS1 (CHD4 antisense RNA 1; plus strand). Cytogenetic location: 12p13.31.
Variant type: single nucleotide variant.
Coding change: c.5084G>A on transcript NM_001273.5 (MANE Select); coding-DNA position 5084, G replaced by A.
Protein change: p.Arg1695His; replaces arginine 1695 with histidine.
Molecular consequence: missense variant.
Genome position (GRCh38, 1-based): chr12:6,578,444, C>T on the plus strand (G>A on the coding strand, the complement: CHD4 is on the minus strand). VCF-style: chr12-6578444-C-T. GRCh37 (hg19) VCF-style: chr12-6687610-C-T.
Other names: c.5063G>A, p.Arg1688His (NM_001297553.2); c.5051G>A, p.Arg1684His (NM_001363606.2); short protein forms R1684H, R1688H, R1695H.
Identifiers: ClinVar variation 2642624 (VCV002642624.25), dbSNP rs756887409, ClinGen allele CA6411312.
Genomic context (GRCh38, chr12:6,578,444, plus strand): 5'-CCTGGTGGGCCCCTCATTTCCATACCAGTAAAACCACCATCTGCAATGTTAAACATGAAA[C>T]GTTGTTTAATATTTTTCTTCTGTTTCTCATCATTCAGGTCCTTGGGGGTCTCTCCATTCT-3'
Protein context (NP_001264.2, residues 1685-1705): DEKQKKNIKQ[Arg1695His]FMFNIADGGF